The following is an entry in ClinVar:

NM_000100.4(CSTB):c.34G>A (p.Ala12Thr)

Genes: CSTB (cystatin B; minus strand), LOC130066788 (ATAC-STARR-seq lymphoblastoid silent region 13368; plus strand). Cytogenetic location: 21q22.3.
Variant type: single nucleotide variant.
Coding change: c.34G>A on transcript NM_000100.4 (MANE Select); coding-DNA position 34, G replaced by A.
Protein change: p.Ala12Thr; replaces alanine 12 with threonine.
Molecular consequence: missense variant.
Genome position (GRCh38, 1-based): chr21:43,776,236, C>T on the plus strand (G>A on the coding strand, the complement: CSTB is on the minus strand). VCF-style: chr21-43776236-C-T. GRCh37 (hg19) VCF-style: chr21-45196117-C-T.
Other names: short protein forms A12T.
Identifiers: ClinVar variation 1965913 (VCV001965913.2), dbSNP rs1334834868, ClinGen allele CA410408657.
Genomic context (GRCh38, chr21:43,776,236, plus strand): 5'-GCCGGCCCCGTCCCCGCGGCCCACCCACCTGGTCGGCGATGTGCTGGGTCTCGGCGGTGG[C>T]CGGCTGCGTGGCGGAGGGCGCCCCGCACATCATCTTGGCGGCGACGGAGGGAATCTGGCG-3'
Protein context (NP_000091.1, residues 2-22): MCGAPSATQP[Ala12Thr]TAETQHIADQ

ClinVar aggregate classification (germline): Uncertain significance (1 of 4 stars; one submission).

Conditions:
Progressive myoclonic epilepsy. Also called: Familial progressive myoclonic epilepsy; Myoclonus epilepsy; Progressive myoclonus epilepsy; Myoclonic Epilepsies, Progressive. Identifiers: Orphanet 308, Orphanet 98261, MedGen C0751778, MONDO:0020074.

Allele frequency attached by ClinVar (database versions not stated): gnomAD exomes below 0.00001.
gnomAD v4.1: 1 of 1,529,680 alleles (0.000065%); highest among the groups gnomAD compares: Non-Finnish European, 0.000088%; no homozygotes.

Submission:

Labcorp Genetics (formerly Invitae), Labcorp
Classification: Uncertain significance for Progressive myoclonic epilepsy. Last evaluated: 2022-07-11. Review status: criteria provided, single submitter. Criteria: Invitae Variant Classification Sherloc (09022015). Collection method: clinical testing. Allele origin: germline.
Comment: This sequence change replaces alanine, which is neutral and non-polar, with threonine, which is neutral and polar, at codon 12 of the CSTB protein (p.Ala12Thr). This variant is not present in population databases (gnomAD no frequency). This variant has not been reported in the literature in individuals affected with CSTB-related conditions. Algorithms developed to predict the effect of missense changes on protein structure and function are either unavailable or do not agree on the potential impact of this missense change (SIFT: "Deleterious"; PolyPhen-2: "Possibly Damaging"; Align-GVGD: "Class C0"). In summary, the available evidence is currently insufficient to determine the role of this variant in disease. Therefore, it has been classified as a Variant of Uncertain Significance.